The following is an entry in ClinVar:

ClinVar aggregate classification (germline): Uncertain significance (1 of 4 stars; one submission).

Submission:

Labcorp Genetics (formerly Invitae), Labcorp
Classification: Uncertain significance. Last evaluated: 2024-07-01. Review status: criteria provided, single submitter. Criteria: Invitae Variant Classification Sherloc (09022015). Collection method: clinical testing. Allele origin: germline.
Comment: This sequence change replaces valine, which is neutral and non-polar, with glycine, which is neutral and non-polar, at codon 217 of the GHR protein (p.Val217Gly). This variant is not present in population databases (gnomAD no frequency). This variant has not been reported in the literature in individuals affected with GHR-related conditions. Advanced modeling of protein sequence and biophysical properties (such as structural, functional, and spatial information, amino acid conservation, physicochemical variation, residue mobility, and thermodynamic stability) has been performed at Invitae for this missense variant, however the output from this modeling did not meet the statistical confidence thresholds required to predict the impact of this variant on GHR protein function. In summary, the available evidence is currently insufficient to determine the role of this variant in disease. Therefore, it has been classified as a Variant of Uncertain Significance.

NM_000163.5(GHR):c.650T>G (p.Val217Gly)

Gene: GHR (growth hormone receptor; plus strand). Cytogenetic location: 5p12.
Variant type: single nucleotide variant.
Coding change: c.650T>G on transcript NM_000163.5 (MANE Select); coding-DNA position 650, T replaced by G.
Protein change: p.Val217Gly; replaces valine 217 with glycine.
Molecular consequence: missense variant.
Genome position (GRCh38, 1-based): chr5:42,711,238, T>G. VCF-style: chr5-42711238-T-G. GRCh37 (hg19) VCF-style: chr5-42711340-T-G.
Other names: c.650T>G, p.Val217Gly (NM_001242405.2, NM_001242406.2, NM_001242462.1 and 5 more transcripts); c.584T>G, p.Val195Gly (NM_001242460.2); c.671T>G, p.Val224Gly (NM_001242399.2); short protein forms V195G, V217G, V224G.
Identifiers: ClinVar variation 3658460 (VCV003658460.2).